The following is an entry in ClinVar:

ClinVar aggregate classification (germline): Uncertain significance. Review status: criteria provided, multiple submitters, no conflicts (2 of 4 stars). 2 submissions from 2 submitters: Uncertain significance (2). Last evaluated 2026-01-09.

Conditions:
Inborn genetic diseases. Identifiers: MedGen C0950123, MeSH D030342.

Allele frequency attached by ClinVar (database versions not stated): gnomAD 0.00004; TOPMed 0.00005; ESP Exome Variant Server 0.00008; 1000 Genomes Project 30x 0.00016; 1000 Genomes Project 0.00020.
gnomAD v4.1: 35 of 1,613,440 alleles (0.0022%); highest among the groups gnomAD compares: Non-Finnish European, 0.0029%; no homozygotes.

Submissions (2):

Labcorp Genetics (formerly Invitae), Labcorp
Classification: Uncertain significance. Last evaluated: 2026-01-09. Review status: criteria provided, single submitter. Criteria: Invitae Variant Classification Sherloc (09022015). Collection method: clinical testing. Allele origin: germline.
Comment: This sequence change replaces arginine, which is basic and polar, with serine, which is neutral and polar, at codon 403 of the MICU1 protein (p.Arg403Ser). This variant is present in population databases (rs371651807, gnomAD 0.008%). This variant has not been reported in the literature in individuals affected with MICU1-related conditions. ClinVar contains an entry for this variant (Variation ID: 2266814). Invitae Evidence Modeling of protein sequence and biophysical properties (such as structural, functional, and spatial information, amino acid conservation, physicochemical variation, residue mobility, and thermodynamic stability) indicates that this missense variant is not expected to disrupt MICU1 protein function with a negative predictive value of 80%. In summary, the available evidence is currently insufficient to determine the role of this variant in disease. Therefore, it has been classified as a Variant of Uncertain Significance.

Ambry Genetics
Classification: Uncertain significance for Inborn genetic diseases. Last evaluated: 2021-12-14. Review status: criteria provided, single submitter. Criteria: Ambry Variant Classification Scheme 2023. Collection method: clinical testing. Allele origin: germline.

NM_001195518.2(MICU1):c.1203G>C (p.Arg401Ser)

Gene: MICU1 (mitochondrial calcium uptake 1; minus strand). Cytogenetic location: 10q22.1.
Variant type: single nucleotide variant.
Coding change: c.1203G>C on transcript NM_001195518.2 (MANE Select); coding-DNA position 1203, G replaced by C.
Protein change: p.Arg401Ser; replaces arginine 401 with serine.
Molecular consequence: missense variant.
Genome position (GRCh38, 1-based): chr10:72,375,850, C>G on the plus strand (G>C on the coding strand, the complement: MICU1 is on the minus strand). VCF-style: chr10-72375850-C-G. GRCh37 (hg19) VCF-style: chr10-74135608-C-G.
Other names: c.609G>C, p.Arg203Ser (NM_001195519.2); c.1221G>C, p.Arg407Ser (NM_001363513.2); c.1209G>C, p.Arg403Ser (NM_006077.4); short protein forms R203S, R401S, R407S, R403S.
Identifiers: ClinVar variation 2266814 (VCV002266814.3), dbSNP rs371651807, ClinGen allele CA5550032.